The following is an entry in ClinVar:

NM_001384474.1(LOXHD1):c.4082G>T (p.Arg1361Leu)

Gene: LOXHD1 (lipoxygenase homology PLAT domains 1; minus strand). Cytogenetic location: 18q21.1.
Variant type: single nucleotide variant.
Coding change: c.4082G>T on transcript NM_001384474.1 (MANE Select); coding-DNA position 4082, G replaced by T.
Protein change: p.Arg1361Leu; replaces arginine 1361 with leucine.
Molecular consequence: missense variant.
Genome position (GRCh38, 1-based): chr18:46,538,169, C>A on the plus strand (G>T on the coding strand, the complement: LOXHD1 is on the minus strand). VCF-style: chr18-46538169-C-A. GRCh37 (hg19) VCF-style: chr18-44118132-C-A.
Other names: c.749G>T, p.Arg250Leu (NM_001145472.3); c.461G>T, p.Arg154Leu (NM_001308013.2); c.4082G>T, p.Arg1361Leu (NM_144612.7); short protein forms R154L, R250L, R1361L.
Identifiers: ClinVar variation 1930307 (VCV001930307.5), dbSNP rs374474061, ClinGen allele CA402376704.

ClinVar aggregate classification (germline): Uncertain significance (1 of 4 stars; one submission).

gnomAD v4.1: 2 of 1,532,162 alleles (0.00013%); highest among the groups gnomAD compares: Middle Eastern, 0.017%; no homozygotes.

Submission:

Labcorp Genetics (formerly Invitae), Labcorp
Classification: Uncertain significance. Last evaluated: 2022-06-21. Review status: criteria provided, single submitter. Criteria: Invitae Variant Classification Sherloc (09022015). Collection method: clinical testing. Allele origin: germline.
Comment: In summary, the available evidence is currently insufficient to determine the role of this variant in disease. Therefore, it has been classified as a Variant of Uncertain Significance. Algorithms developed to predict the effect of missense changes on protein structure and function (SIFT, PolyPhen-2, Align-GVGD) all suggest that this variant is likely to be tolerated. This variant has not been reported in the literature in individuals affected with LOXHD1-related conditions. This variant is not present in population databases (gnomAD no frequency). This sequence change replaces arginine, which is basic and polar, with leucine, which is neutral and non-polar, at codon 1361 of the LOXHD1 protein (p.Arg1361Leu).